The following is an entry in ClinVar:

ClinVar aggregate classification (germline): Pathogenic (1 of 4 stars; one submission).

Conditions:
Inborn genetic diseases. Identifiers: MedGen C0950123, MeSH D030342.

Submission:

Ambry Genetics
Classification: Pathogenic for Inborn genetic diseases. Last evaluated: 2026-02-09. Review status: criteria provided, single submitter. Criteria: Ambry Variant Classification Scheme 2023. Collection method: clinical testing. Allele origin: germline.
Comment: The c.2023delC (p.R675Efs*17) alteration, located in exon 9 (coding exon 9) of the LRP6 gene, consists of a deletion of one nucleotide at position 2023, causing a translational frameshift with a predicted alternate stop codon after 17 amino acids. This variant is expected to result in loss of function by premature protein truncation or nonsense-mediated mRNA decay. This variant was not reported in population-based cohorts in the Genome Aggregation Database (gnomAD). Based on the available evidence, this alteration is classified as pathogenic.

NM_002336.3(LRP6):c.2023del (p.Arg675fs)

Gene: LRP6 (LDL receptor related protein 6; minus strand). Cytogenetic location: 12p13.2.
Variant type: Deletion.
Coding change: c.2023del on transcript NM_002336.3 (MANE Select); coding-DNA position 2023, one base deleted (C; older notation c.2023delC).
Protein change: p.Arg675fs; shifts the reading frame from arginine 675.
Molecular consequence: frameshift variant. On other transcripts: non-coding transcript variant (1), intron variant (1).
Genome position (GRCh38, 1-based): chr12:12,164,302, G deleted on the plus strand (C on the coding strand, the reverse complement: LRP6 is on the minus strand); the first of 2 consecutive G bases (chr12:12,164,302-12,164,303); deleting either gives the same sequence. VCF-style (leftmost placement, unchanged base first): chr12-12164301-CG-C. GRCh37 (hg19) VCF-style: chr12-12317235-CG-C.
Other names: c.2023del, p.Arg675fs (NM_001414244.1, NM_001414245.1, NM_001414246.1 and 4 more transcripts); c.1825del, p.Arg609fs (NM_001414247.1); c.1570del, p.Arg524fs (NM_001414252.1, NM_001414253.1, NM_001414254.1); c.1546-1883del (NM_001414255.1); short protein forms R609fs, R524fs, R675fs.
Identifiers: ClinVar variation 4839830 (VCV004839830.1).